The following is an entry in ClinVar:

ClinVar aggregate classification (germline): Uncertain significance. Review status: criteria provided, single submitter (1 of 4 stars). 2 submissions from 2 submitters: Uncertain significance (1). 1 of the submissions does not count toward it.

Conditions:
Macrothrombocytopenia, isolated, 1, autosomal dominant (MACTHC1). Also called: Autosomal dominant macrothrombocytopenia TUBB1-related. Identifiers: Orphanet 140957, MedGen C5676892, MONDO:0800047, OMIM 613112.

Allele frequency attached by ClinVar (database versions not stated): 1000 Genomes Project 0.00439; 1000 Genomes Project 30x 0.00468; TOPMed 0.00757; gnomAD 0.00807 and 0.00849; gnomAD exomes 0.01367.

Submissions (2):

Breakthrough Genomics
Classification: Uncertain significance. Review status: criteria provided, single submitter. Criteria: ACMG Guidelines, 2015. Collection method: not provided. Allele origin: germline. Inheritance: Autosomal dominant inheritance. Affected: yes.

ISTH-SSC Genomics in Thrombosis and Hemostasis, KU Leuven, Center for Molecular and Vascular Biology
Classification: Uncertain significance for Macrothrombocytopenia, isolated, 1, autosomal dominant. Review status: no assertion criteria provided. Collection method: research. Allele origin: unknown. Affected: yes. Not counted in ClinVar's aggregate classification.
Comment: Submitted to GoldVariant by Neil Morgan from Birmingham Platelet Group, Birmingham, UK

NM_030773.4(TUBB1):c.-88G>C

Gene: TUBB1 (tubulin beta 1 class VI; plus strand). Cytogenetic location: 20q13.32.
Variant type: single nucleotide variant.
Coding change: c.-88G>C on transcript NM_030773.4 (MANE Select); 88 bases upstream of the start codon, G replaced by C.
Molecular consequence: 5 prime UTR variant.
Genome position (GRCh38, 1-based): chr20:59,019,435, G>C. VCF-style: chr20-59019435-G-C. GRCh37 (hg19) VCF-style: chr20-57594490-G-C.
Identifiers: ClinVar variation 1684360 (VCV001684360.2), dbSNP rs150072434, ClinGen allele CA316323864.